The following is an entry in ClinVar:

ClinVar aggregate classification (germline): Pathogenic. Review status: reviewed by expert panel (3 of 4 stars). 7 submissions from 7 submitters: Pathogenic (1). 6 of the submissions do not count toward it. Last evaluated 2016-10-18.

Conditions:
Hereditary cancer-predisposing syndrome. Also called: Tumor predisposition; Hereditary Cancer Syndrome; Neoplastic Syndromes, Hereditary; Hereditary neoplastic syndrome. Identifiers: Orphanet 140162, MedGen C0027672, MeSH D009386, MONDO:0015356.
Hereditary breast ovarian cancer syndrome. Also called: Hereditary breast and ovarian cancer syndrome; Hereditary breast and ovarian cancer; Hereditary breast and ovarian cancer syndrome (HBOC); BRCA1- and BRCA2-Associated Hereditary Breast and Ovarian Cancer; Hereditary breast and/or ovarian cancer syndrome; Breast and ovarian cancer. Identifiers: Orphanet 145, MedGen C0677776, MeSH D061325, MONDO:0003582. Disease mechanism: loss of function.
Breast-ovarian cancer, familial, susceptibility to, 2 (BROVCA2). Also called: BRCA2 Hereditary Breast and Ovarian Cancer. Identifiers: Orphanet 145, MedGen C2675520, MONDO:0012933, OMIM 612555. Disease mechanism: loss of function.

Submissions (7):

Evidence-based Network for the Interpretation of Germline Mutant Alleles (ENIGMA)
Classification: Pathogenic for Breast-ovarian cancer, familial, susceptibility to, 2. Last evaluated: 2016-10-18. Review status: reviewed by expert panel. Criteria: ENIGMA BRCA1/2 Classification Criteria (2015). Collection method: curation. Allele origin: germline.
Comment: Variant allele predicted to encode a truncated non-functional protein.

Ambry Genetics
Classification: Pathogenic for Hereditary cancer-predisposing syndrome. Last evaluated: 2025-05-20. Review status: criteria provided, single submitter. Criteria: Ambry Variant Classification Scheme 2023. Collection method: clinical testing. Allele origin: germline. Not counted in ClinVar's aggregate classification.
Comment: The p.Y949* pathogenic mutation (also known as c.2847T>A), located in coding exon 10 of the BRCA2 gene, results from a T to A substitution at nucleotide position 2847. This changes the amino acid from a tyrosine to a stop codon within coding exon 10. This alteration was identified in a large, worldwide study of BRCA1/2 mutation positive families (Rebbeck TR et al. Hum Mutat, 2018 05;39:593-620). This variant is considered to be rare based on population cohorts in the Genome Aggregation Database (gnomAD). This alteration is expected to result in loss of function by premature protein truncation or nonsense-mediated mRNA decay. As such, this alteration is interpreted as a disease-causing mutation.

CeGaT Center for Human Genetics Tuebingen
Classification: Pathogenic. Last evaluated: 2025-01-01. Review status: criteria provided, single submitter. Criteria: CeGaT Center For Human Genetics Tuebingen Variant Classification Criteria Version 2. Collection method: clinical testing. Allele origin: germline. Affected: yes. Observed: 1 variant allele. Not counted in ClinVar's aggregate classification.
Comment: BRCA2: PVS1, PM2

Labcorp Genetics (formerly Invitae), Labcorp
Classification: Pathogenic for Hereditary breast ovarian cancer syndrome. Last evaluated: 2024-03-13. Review status: criteria provided, single submitter. Criteria: Invitae Variant Classification Sherloc (09022015). Collection method: clinical testing. Allele origin: germline. Not counted in ClinVar's aggregate classification.
Comment: This sequence change creates a premature translational stop signal (p.Tyr949*) in the BRCA2 gene. It is expected to result in an absent or disrupted protein product. Loss-of-function variants in BRCA2 are known to be pathogenic (PMID: 20104584). This variant is not present in population databases (gnomAD no frequency). This variant has not been reported in the literature in individuals affected with BRCA2-related conditions. ClinVar contains an entry for this variant (Variation ID: 266723). For these reasons, this variant has been classified as Pathogenic.

Color Diagnostics, LLC DBA Color Health
Classification: Pathogenic for Hereditary cancer-predisposing syndrome. Last evaluated: 2020-01-15. Review status: criteria provided, single submitter. Criteria: ACMG Guidelines, 2015. Collection method: clinical testing. Allele origin: germline. Not counted in ClinVar's aggregate classification.
Comment: This variant changes 1 nucleotide in exon 11 of the BRCA2 gene, creating a premature translation stop signal. This variant is expected to result in an absent or non-functional protein product. This variant has not been identified in the general population by the Genome Aggregation Database (gnomAD). Loss of BRCA2 function is a known mechanism of disease. Based on the available evidence, this variant is classified as Pathogenic.

Quest Diagnostics Nichols Institute San Juan Capistrano
Classification: Pathogenic. Last evaluated: 2016-10-19. Review status: criteria provided, single submitter. Criteria: Quest Diagnostics criteria. Collection method: clinical testing. Allele origin: germline. Not counted in ClinVar's aggregate classification.

Consortium of Investigators of Modifiers of BRCA1/2 (CIMBA), c/o University of Cambridge
Classification: Pathogenic for Breast-ovarian cancer, familial, susceptibility to, 2. Last evaluated: 2015-10-02. Review status: criteria provided, single submitter. Criteria: CIMBA Mutation Classification guidelines May 2016. Collection method: clinical testing. Allele origin: germline. Not counted in ClinVar's aggregate classification.

Literature cited by the submitters: PubMed 29446198 (cited by Ambry Genetics); PubMed 20104584 (cited by Labcorp Genetics (formerly Invitae), Labcorp); PubMed 10323242 (cited by Quest Diagnostics Nichols Institute San Juan Capistrano).

NM_000059.4(BRCA2):c.2847T>A (p.Tyr949Ter)

Gene: BRCA2 (BRCA2 DNA repair associated; plus strand). Cytogenetic location: 13q13.1.
Variant type: single nucleotide variant.
Coding change: c.2847T>A on transcript NM_000059.4 (MANE Select); coding-DNA position 2847, T replaced by A.
Protein change: p.Tyr949Ter; replaces tyrosine 949 with a stop codon.
Molecular consequence: nonsense.
Genome position (GRCh38, 1-based): chr13:32,337,202, T>A. VCF-style: chr13-32337202-T-A. GRCh37 (hg19) VCF-style: chr13-32911339-T-A.
Other names: 3075T>A; short protein forms Y949*.
Identifiers: ClinVar variation 266723 (VCV000266723.30), dbSNP rs886040449, ClinGen allele CA10589175.